The following is an entry in ClinVar:

NM_000203.5(IDUA):c.410C>G (p.Ser137Trp)

Gene: IDUA (alpha-L-iduronidase; plus strand). Cytogenetic location: 4p16.3.
Variant type: single nucleotide variant.
Coding change: c.410C>G on transcript NM_000203.5 (MANE Select); coding-DNA position 410, C replaced by G.
Protein change: p.Ser137Trp; replaces serine 137 with tryptophan.
Molecular consequence: missense variant. On other transcripts: non-coding transcript variant (1).
Genome position (GRCh38, 1-based): chr4:1,000,906, C>G. VCF-style: chr4-1000906-C-G. GRCh37 (hg19) VCF-style: chr4-994694-C-G.
Other names: c.14C>G, p.Ser5Trp (NM_001363576.1); c.410C>G (NM_000203.3); short protein forms S5W, S137W.
Identifiers: ClinVar variation 1414771 (VCV001414771.6), dbSNP rs769949390, ClinGen allele CA355961342.
Genomic context (GRCh38, chr4:1,000,906, plus strand): 5'-TGTGGTGGGCGGTGGGGCAGCCCTCCTGTGTTCCAGGGTTTGAGCTGATGGGCAGCGCCT[C>G]GGGCCACTTCACTGACTTTGAGGACAAGCAGCAGGTGTTTGAGTGGAAGGACTTGGTCTC-3'
Protein context (NP_000194.2, residues 127-147): LPGFELMGSA[Ser137Trp]GHFTDFEDKQ

ClinVar aggregate classification (germline): Uncertain significance. Review status: criteria provided, multiple submitters, no conflicts (2 of 4 stars). 3 submissions from 3 submitters: Uncertain significance (3). Last evaluated 2024-08-12.

Conditions:
Mucopolysaccharidosis type 1. Also called: IDUA deficiency; MPS I. Identifiers: Orphanet 579, MedGen C0023786, MONDO:0001586.
Inborn genetic diseases. Identifiers: MedGen C0950123, MeSH D030342.

Submissions (3):

Labcorp Genetics (formerly Invitae), Labcorp
Classification: Uncertain significance for Mucopolysaccharidosis type 1. Last evaluated: 2024-08-12. Review status: criteria provided, single submitter. Criteria: Invitae Variant Classification Sherloc (09022015). Collection method: clinical testing. Allele origin: germline.
Comment: This sequence change replaces serine, which is neutral and polar, with tryptophan, which is neutral and slightly polar, at codon 137 of the IDUA protein (p.Ser137Trp). This variant is present in population databases (no rsID available, gnomAD 0.006%). This variant has not been reported in the literature in individuals affected with IDUA-related conditions. ClinVar contains an entry for this variant (Variation ID: 1414771). Advanced modeling of protein sequence and biophysical properties (such as structural, functional, and spatial information, amino acid conservation, physicochemical variation, residue mobility, and thermodynamic stability) performed at Invitae indicates that this missense variant is expected to disrupt IDUA protein function with a positive predictive value of 80%. In summary, the available evidence is currently insufficient to determine the role of this variant in disease. Therefore, it has been classified as a Variant of Uncertain Significance.

Revvity Omics, Revvity
Classification: Uncertain significance. Last evaluated: 2024-05-23. Review status: criteria provided, single submitter. Criteria: ACMG Guidelines, 2015. Collection method: clinical testing. Allele origin: germline.

Ambry Genetics
Classification: Uncertain significance for Inborn genetic diseases. Last evaluated: 2021-06-23. Review status: criteria provided, single submitter. Criteria: Ambry Variant Classification Scheme 2023. Collection method: clinical testing. Allele origin: germline.